The following is an entry in ClinVar:

ClinVar aggregate classification (germline): Uncertain significance (1 of 4 stars; one submission).

Conditions:
Hereditary cancer-predisposing syndrome. Also called: Neoplastic Syndromes, Hereditary; Tumor predisposition; Hereditary Cancer Syndrome; Hereditary neoplastic syndrome. Identifiers: Orphanet 140162, MedGen C0027672, MeSH D009386, MONDO:0015356.

Submission:

Ambry Genetics
Classification: Uncertain significance for Hereditary cancer-predisposing syndrome. Last evaluated: 2026-06-12. Review status: criteria provided, single submitter. Criteria: Ambry Variant Classification Scheme 2023. Collection method: clinical testing. Allele origin: germline.
Comment: The p.L940H variant (also known as c.2819T>A), located in coding exon 24 of the TSC2 gene, results from a T to A substitution at nucleotide position 2819. The leucine at codon 940 is replaced by histidine, an amino acid with similar properties. This amino acid position is conserved. In addition, this alteration is predicted to be deleterious by in silico analysis. Based on the available evidence, the clinical significance of this variant remains unclear.

NM_000548.5(TSC2):c.2819T>A (p.Leu940His)

Gene: TSC2 (TSC complex subunit 2; plus strand). Cytogenetic location: 16p13.3.
Variant type: single nucleotide variant.
Coding change: c.2819T>A on transcript NM_000548.5 (MANE Select); coding-DNA position 2819, T replaced by A.
Protein change: p.Leu940His; replaces leucine 940 with histidine.
Molecular consequence: missense variant. On other transcripts: non-coding transcript variant (5).
Genome position (GRCh38, 1-based): chr16:2,076,567, T>A. VCF-style: chr16-2076567-T-A. GRCh37 (hg19) VCF-style: chr16-2126568-T-A.
Other names: c.2819T>A, p.Leu940His (NM_001077183.3, NM_001114382.3, NM_001363528.2 and 6 more transcripts); c.2708T>A, p.Leu903His (NM_001318827.2, NM_001406678.1, NM_001406670.1); c.2672T>A, p.Leu891His (NM_001318829.2, NM_001406676.1, NM_001406679.1 and 1 more transcripts); c.2219T>A, p.Leu740His (NM_001318831.2, NM_001406680.1, NM_001406682.1 and 6 more transcripts); c.2852T>A, p.Leu951His (NM_001318832.2); c.2762T>A, p.Leu921His (NM_001406677.1); c.2357T>A, p.Leu786His (NM_001406681.1); c.2909T>A, p.Leu970His (NM_001406667.1, NM_001406668.1); and 3 more; short protein forms L406H, L492H, L740H, L786H, L891H, L903H, L921H, L936H.
Identifiers: ClinVar variation 4866141 (VCV004866141.1).